The following is an entry in ClinVar:

ClinVar aggregate classification (germline): Uncertain significance (1 of 4 stars; one submission).

Allele frequency attached by ClinVar (database versions not stated): TOPMed below 0.00001.
gnomAD v4.1: 2 of 1,612,496 alleles (0.00012%); highest among the groups gnomAD compares: South Asian, 0.0011%; no homozygotes.

Submission:

Labcorp Genetics (formerly Invitae), Labcorp
Classification: Uncertain significance. Last evaluated: 2023-05-15. Review status: criteria provided, single submitter. Criteria: Invitae Variant Classification Sherloc (09022015). Collection method: clinical testing. Allele origin: germline.
Comment: In summary, the available evidence is currently insufficient to determine the role of this variant in disease. Therefore, it has been classified as a Variant of Uncertain Significance. Algorithms developed to predict the effect of sequence changes on RNA splicing suggest that this variant may create or strengthen a splice site. ClinVar contains an entry for this variant (Variation ID: 2108262). This variant has not been reported in the literature in individuals affected with MYO7A-related conditions. This variant is not present in population databases (gnomAD no frequency). This sequence change falls in intron 40 of the MYO7A gene. It does not directly change the encoded amino acid sequence of the MYO7A protein.

NM_000260.4(MYO7A):c.5636+20C>T

Gene: MYO7A (myosin VIIA; plus strand). Cytogenetic location: 11q13.5.
Variant type: single nucleotide variant.
Coding change: c.5636+20C>T on transcript NM_000260.4 (MANE Select); 20 bases into the intron after coding-DNA position 5636, C replaced by T.
Molecular consequence: intron variant.
Genome position (GRCh38, 1-based): chr11:77,205,637, C>T. VCF-style: chr11-77205637-C-T. GRCh37 (hg19) VCF-style: chr11-76916682-C-T.
Other names: c.5489+20C>T (NM_001369365.1); c.5522+20C>T (NM_001127180.2).
Identifiers: ClinVar variation 2108262 (VCV002108262.4), dbSNP rs1957396746, ClinGen allele CA1984126977.